The following is an entry in ClinVar:

NM_016341.4(PLCE1):c.5840C>T (p.Ala1947Val)

Gene: PLCE1 (phospholipase C epsilon 1; plus strand). Cytogenetic location: 10q23.33.
Variant type: single nucleotide variant.
Coding change: c.5840C>T on transcript NM_016341.4 (MANE Select); coding-DNA position 5840, C replaced by T.
Protein change: p.Ala1947Val; replaces alanine 1947 with valine.
Molecular consequence: missense variant.
Genome position (GRCh38, 1-based): chr10:94,306,644, C>T. VCF-style: chr10-94306644-C-T. GRCh37 (hg19) VCF-style: chr10-96066401-C-T.
Other names: c.4916C>T, p.Ala1639Val (NM_001165979.2); c.5792C>T, p.Ala1931Val (NM_001288989.2); short protein forms A1947V, A1639V, A1931V.
Identifiers: ClinVar variation 301732 (VCV000301732.10), dbSNP rs763348713, ClinGen allele CA5613430.

ClinVar aggregate classification (germline): Uncertain significance. Review status: criteria provided, multiple submitters, no conflicts (2 of 4 stars). 3 submissions from 3 submitters: Uncertain significance (3). Last evaluated 2024-12-02.

Conditions:
Nephrotic syndrome, type 3 (NPHS3). Also called: NEPHROTIC SYNDROME, EARLY-ONSET, TYPE 3. Identifiers: Orphanet 656, MedGen C1853124, MONDO:0012546, OMIM 610725.

Allele frequency attached by ClinVar (database versions not stated): gnomAD exomes 0.00002 and 0.00005; TOPMed 0.00002; gnomAD 0.00004 and 0.00005; ExAC 0.00007; 1000 Genomes Project 30x 0.00016.
gnomAD v4.1: 36 of 1,613,958 alleles (0.0022%); highest among the groups gnomAD compares: Middle Eastern, 0.033%; no homozygotes.

Submissions (3):

Labcorp Genetics (formerly Invitae), Labcorp
Classification: Uncertain significance. Last evaluated: 2024-12-02. Review status: criteria provided, single submitter. Criteria: Invitae Variant Classification Sherloc (09022015). Collection method: clinical testing. Allele origin: germline.
Comment: This sequence change replaces alanine, which is neutral and non-polar, with valine, which is neutral and non-polar, at codon 1947 of the PLCE1 protein (p.Ala1947Val). This variant is present in population databases (rs763348713, gnomAD 0.05%). This variant has not been reported in the literature in individuals affected with PLCE1-related conditions. ClinVar contains an entry for this variant (Variation ID: 301732). Invitae Evidence Modeling of protein sequence and biophysical properties (such as structural, functional, and spatial information, amino acid conservation, physicochemical variation, residue mobility, and thermodynamic stability) indicates that this missense variant is not expected to disrupt PLCE1 protein function with a negative predictive value of 80%. In summary, the available evidence is currently insufficient to determine the role of this variant in disease. Therefore, it has been classified as a Variant of Uncertain Significance.

Fulgent Genetics
Classification: Uncertain significance for Nephrotic syndrome, type 3. Last evaluated: 2021-12-15. Review status: criteria provided, single submitter. Criteria: ACMG Guidelines, 2015. Collection method: clinical testing. Allele origin: unknown.

Illumina Laboratory Services, Illumina
Classification: Uncertain significance for Nephrotic syndrome, type 3. Last evaluated: 2018-01-13. Review status: criteria provided, single submitter. Criteria: ICSL Variant Classification Criteria 13 December 2019. Collection method: clinical testing. Allele origin: germline.